The following is an entry in ClinVar:

ClinVar aggregate classification (germline): Uncertain significance (1 of 4 stars; one submission).

Allele frequency attached by ClinVar (database versions not stated): gnomAD exomes 0.00001; gnomAD 0.00002; TOPMed 0.00002.
gnomAD v4.1: 7 of 1,613,974 alleles (0.00043%); highest among the groups gnomAD compares: Non-Finnish European, 0.00059%; no homozygotes.

Submission:

Labcorp Genetics (formerly Invitae), Labcorp
Classification: Uncertain significance. Last evaluated: 2025-01-06. Review status: criteria provided, single submitter. Criteria: Invitae Variant Classification Sherloc (09022015). Collection method: clinical testing. Allele origin: germline.
Comment: This sequence change replaces isoleucine, which is neutral and non-polar, with valine, which is neutral and non-polar, at codon 1289 of the PCDH15 protein (p.Ile1289Val). This variant is present in population databases (no rsID available, gnomAD 0.002%). This variant has not been reported in the literature in individuals affected with PCDH15-related conditions. ClinVar contains an entry for this variant (Variation ID: 1371241). Invitae Evidence Modeling of protein sequence and biophysical properties (such as structural, functional, and spatial information, amino acid conservation, physicochemical variation, residue mobility, and thermodynamic stability) indicates that this missense variant is not expected to disrupt PCDH15 protein function with a negative predictive value of 95%. In summary, the available evidence is currently insufficient to determine the role of this variant in disease. Therefore, it has been classified as a Variant of Uncertain Significance.

NM_001384140.1(PCDH15):c.3865A>G (p.Ile1289Val)

Gene: PCDH15 (protocadherin related 15; minus strand). Cytogenetic location: 10q21.1.
Variant type: single nucleotide variant.
Coding change: c.3865A>G on transcript NM_001384140.1 (MANE Select); coding-DNA position 3865, A replaced by G.
Protein change: p.Ile1289Val; replaces isoleucine 1289 with valine.
Molecular consequence: missense variant.
Genome position (GRCh38, 1-based): chr10:53,840,438, T>C on the plus strand (A>G on the coding strand, the complement: PCDH15 is on the minus strand). VCF-style: chr10-53840438-T-C. GRCh37 (hg19) VCF-style: chr10-55600198-T-C.
Other names: c.3880A>G, p.Ile1294Val (NM_001142763.2, NM_001142771.2); c.3865A>G, p.Ile1289Val (NM_001142764.2, NM_001142766.2, NM_001142770.3 and 4 more transcripts); c.3652A>G, p.Ile1218Val (NM_001142765.2); c.3754A>G, p.Ile1252Val (NM_001142767.2); c.3799A>G, p.Ile1267Val (NM_001142768.2, NM_001142773.2, NM_001354404.2); c.3901A>G, p.Ile1301Val (NM_001142769.4); c.3886A>G, p.Ile1296Val (NM_001354411.2); short protein forms I1252V, I1267V, I1289V, I1296V, I1301V, I1218V, I1294V.
Identifiers: ClinVar variation 1371241 (VCV001371241.4), dbSNP rs1258330774, ClinGen allele CA376528898.